The following is an entry in ClinVar:

ClinVar aggregate classification (germline): Likely benign. Review status: criteria provided, multiple submitters, no conflicts (2 of 4 stars). 2 submissions from 2 submitters: Likely benign (2). Last evaluated 2026-03-01.

Conditions:
Dilated cardiomyopathy 1G (CMD1G). Identifiers: Orphanet 154, MedGen C1858763, MONDO:0011400, OMIM 604145.
Autosomal recessive limb-girdle muscular dystrophy type 2J (LGMDR10). Also called: MUSCULAR DYSTROPHY, LIMB-GIRDLE, AUTOSOMAL RECESSIVE 10; Limb-girdle muscular dystrophy, type 2J. Identifiers: Orphanet 140922, MedGen C1837342, MONDO:0012127, OMIM 608807.

Allele frequency attached by ClinVar (database versions not stated): TOPMed below 0.00001.

Submissions (2):

CeGaT Center for Human Genetics Tuebingen
Classification: Likely benign. Last evaluated: 2026-03-01. Review status: criteria provided, single submitter. Criteria: CeGaT Center For Human Genetics Tuebingen Variant Classification Criteria Version 2. Collection method: clinical testing. Allele origin: germline. Affected: yes. Observed: 1 variant allele.
Comment: TTN: BP4, BP7

Labcorp Genetics (formerly Invitae), Labcorp
Classification: Likely benign for Dilated cardiomyopathy 1G; Autosomal recessive limb-girdle muscular dystrophy type 2J. Last evaluated: 2024-10-28. Review status: criteria provided, single submitter. Criteria: Invitae Variant Classification Sherloc (09022015). Collection method: clinical testing. Allele origin: germline.

NM_001267550.2(TTN):c.38118A>G (p.Thr12706=)

Gene: TTN (titin; minus strand). Cytogenetic location: 2q31.2.
Variant type: single nucleotide variant.
Coding change: c.38118A>G on transcript NM_001267550.2 (MANE Select); coding-DNA position 38118, A replaced by G.
Protein change: p.Thr12706=; no amino-acid change (threonine 12706 retained).
Molecular consequence: synonymous variant. On other transcripts: intron variant (5).
Genome position (GRCh38, 1-based): chr2:178,654,916, T>C on the plus strand (A>G on the coding strand, the complement: TTN is on the minus strand). VCF-style: chr2-178654916-T-C. GRCh37 (hg19) VCF-style: chr2-179519643-T-C.
Other names: c.13283-12599A>G (NM_003319.4); c.13859-12599A>G (NM_133437.4); c.13658-12599A>G (NM_133432.3); c.31742-2375A>G (NM_133378.4); c.34523-2375A>G (NM_001256850.1).
Identifiers: ClinVar variation 1157114 (VCV001157114.13), dbSNP rs1253206905, ClinGen allele CA430111831.